The following is an entry in ClinVar:

NM_025215.6(PUS1):c.515G>A (p.Ser172Asn)

Gene: PUS1 (pseudouridine synthase 1; plus strand). Cytogenetic location: 12q24.33.
Variant type: single nucleotide variant.
Coding change: c.515G>A on transcript NM_025215.6 (MANE Select); coding-DNA position 515, G replaced by A.
Protein change: p.Ser172Asn; replaces serine 172 with asparagine.
Molecular consequence: missense variant.
Genome position (GRCh38, 1-based): chr12:131,939,246, G>A. VCF-style: chr12-131939246-G-A. GRCh37 (hg19) VCF-style: chr12-132423791-G-A.
Other names: p.Ser172Asn; c.431G>A, p.Ser144Asn (NM_001002019.3, NM_001002020.3); c.515G>A (NM_025215.5); short protein forms S172N, S144N.
Identifiers: ClinVar variation 2164848 (VCV002164848.3), dbSNP rs769737909, ClinGen allele CA246186085.

ClinVar aggregate classification (germline): Uncertain significance. Review status: criteria provided, multiple submitters, no conflicts (2 of 4 stars). 3 submissions from 3 submitters: Uncertain significance (3). Last evaluated 2025-03-18.

Allele frequency attached by ClinVar (database versions not stated): TOPMed 0.00001.

Submissions (3):

Mayo Clinic Laboratories, Mayo Clinic
Classification: Uncertain significance. Last evaluated: 2025-03-18. Review status: criteria provided, single submitter. Criteria: ACMG Guidelines, 2015. Collection method: clinical testing. Allele origin: germline. Observed: 1 variant allele.
Comment: BP4_moderate, PM2_supporting

GeneDx
Classification: Uncertain significance. Last evaluated: 2024-12-27. Review status: criteria provided, single submitter. Criteria: GeneDx Variant Classification Process June 2021. Collection method: clinical testing. Allele origin: germline. Affected: yes.
Comment: Not observed at significant frequency in large population cohorts (gnomAD); In silico analysis indicates that this missense variant does not alter protein structure/function; Has not been previously published as pathogenic or benign to our knowledge

Labcorp Genetics (formerly Invitae), Labcorp
Classification: Uncertain significance. Last evaluated: 2022-09-20. Review status: criteria provided, single submitter. Criteria: Invitae Variant Classification Sherloc (09022015). Collection method: clinical testing. Allele origin: germline.
Comment: This sequence change replaces serine, which is neutral and polar, with asparagine, which is neutral and polar, at codon 172 of the PUS1 protein (p.Ser172Asn). This variant is present in population databases (rs769737909, gnomAD 0.005%). This variant has not been reported in the literature in individuals affected with PUS1-related conditions. Advanced modeling of protein sequence and biophysical properties (such as structural, functional, and spatial information, amino acid conservation, physicochemical variation, residue mobility, and thermodynamic stability) performed at Invitae indicates that this missense variant is not expected to disrupt PUS1 protein function. In summary, the available evidence is currently insufficient to determine the role of this variant in disease. Therefore, it has been classified as a Variant of Uncertain Significance.